The following is an entry in ClinVar:

NC_000023.10:g.(?_17393881)_(18665472_?)dup

Genes: BEND2 (BEN domain containing 2; minus strand), CDKL5 (cyclin dependent kinase like 5; plus strand), NHS (NHS actin remodeling regulator; plus strand), RAI2 (retinoic acid induced 2; minus strand), RS1 (retinoschisin 1; minus strand) and 2 more. Cytogenetic location: Xp22.13.
Variant type: Duplication.
Identifiers: ClinVar variation 2424642 (VCV002424642.6).

ClinVar aggregate classification (germline): Uncertain significance (1 of 4 stars; one submission).

Conditions:
Developmental and epileptic encephalopathy, 2 (DEE2). Also called: INFANTILE SPASM SYNDROME, X-LINKED 2; CDKL5 deficiency disorder. Identifiers: Orphanet 1934, Orphanet 3451, Orphanet 505652, MedGen C4750718, MONDO:0010396, OMIM 300672.
Angelman syndrome-like. Identifiers: MedGen CN128785.

Submission:

Labcorp Genetics (formerly Invitae), Labcorp
Classification: Uncertain significance for Developmental and epileptic encephalopathy, 2; Angelman syndrome-like. Last evaluated: 2022-03-19. Review status: criteria provided, single submitter. Criteria: Invitae Variant Classification Sherloc (09022015). Collection method: clinical testing. Allele origin: germline.
Comment: In summary, the available evidence is currently insufficient to determine the role of this variant in disease. Therefore, it has been classified as a Variant of Uncertain Significance. Experimental studies and prediction algorithms are not available or were not evaluated, and the functional significance of this variant is currently unknown. This variant has not been reported in the literature in individuals affected with CDKL5-related conditions. This variant results in a copy number gain of the genomic region encompassing exon(s) 1-19 of the CDKL5 gene. This region includes the initiator codon of the gene. This copy number gain extends beyond the assayed region for this gene and therefore may encompass additional genes. As the precise location of this event is unknown, it may be in tandem or it may be located elsewhere in the genome.